The following is an entry in ClinVar:

ClinVar aggregate classification (germline): Likely benign. Review status: criteria provided, multiple submitters, no conflicts (2 of 4 stars). 3 submissions from 3 submitters: Likely benign (3). Last evaluated 2024-07-20.

Conditions:
Hereditary cancer-predisposing syndrome. Also called: Hereditary Cancer Syndrome; Hereditary neoplastic syndrome; Neoplastic Syndromes, Hereditary; Tumor predisposition. Identifiers: Orphanet 140162, MedGen C0027672, MeSH D009386, MONDO:0015356.
Lynch syndrome. Identifiers: Orphanet 144, MedGen C4552100, MONDO:0005835. Disease mechanism: loss of function.
Hereditary nonpolyposis colorectal neoplasms. Identifiers: MedGen C0009405, MeSH D003123.

Submissions (3):

All of Us Research Program, National Institutes of Health
Classification: Likely benign for Lynch syndrome. Last evaluated: 2024-07-20. Review status: criteria provided, single submitter. Criteria: ACMG Guidelines, 2015. Collection method: clinical testing. Allele origin: germline. Inheritance: Autosomal dominant inheritance. Observed: 1 variant allele, 1 heterozygote.
Comment: This study involves interpretation of variants in research participants for the purpose of population health screening. Participant phenotype was not available at the time of variant classification. Additional details can be found in publication PMID: 35346344, PMCID: PMC8962531

Labcorp Genetics (formerly Invitae), Labcorp
Classification: Likely benign for Hereditary nonpolyposis colorectal neoplasms. Last evaluated: 2022-03-01. Review status: criteria provided, single submitter. Criteria: Invitae Variant Classification Sherloc (09022015). Collection method: clinical testing. Allele origin: germline.

Ambry Genetics
Classification: Likely benign for Hereditary cancer-predisposing syndrome. Last evaluated: 2022-02-15. Review status: criteria provided, single submitter. Criteria: Ambry Variant Classification Scheme 2023. Collection method: clinical testing. Allele origin: germline.

NM_000179.3(MSH6):c.1398T>C (p.Phe466=)

Gene: MSH6 (mutS homolog 6; plus strand). Cytogenetic location: 2p16.3.
Variant type: single nucleotide variant.
Coding change: c.1398T>C on transcript NM_000179.3 (MANE Select); coding-DNA position 1398, T replaced by C.
Protein change: p.Phe466=; no amino-acid change (phenylalanine 466 retained).
Molecular consequence: synonymous variant. On other transcripts: non-coding transcript variant (4), intron variant (1).
Genome position (GRCh38, 1-based): chr2:47,799,381, T>C. VCF-style: chr2-47799381-T-C. GRCh37 (hg19) VCF-style: chr2-48026520-T-C.
Other names: c.1008T>C, p.Phe336= (NM_001281492.2); c.492T>C, p.Phe164= (NM_001281493.2, NM_001281494.2, NM_001406811.1 and 6 more transcripts); c.1494T>C, p.Phe498= (NM_001406795.1, NM_001406802.1); c.1398T>C, p.Phe466= (NM_001406796.1, NM_001406798.1, NM_001406800.1 and 4 more transcripts); c.1101T>C, p.Phe367= (NM_001406797.1, NM_001406801.1, NM_001406805.1 and 10 more transcripts); c.873T>C, p.Phe291= (NM_001406799.1, NM_001406806.1, NM_001406807.1); c.1320T>C, p.Phe440= (NM_001406804.1); c.1404T>C, p.Phe468= (NM_001406813.1); and 2 more.
Identifiers: ClinVar variation 1771683 (VCV001771683.8), dbSNP rs2530607244, ClinGen allele CA426121152.